The following is an entry in ClinVar:

NM_181458.4(PAX3):c.642A>C (p.Pro214=)

Gene: PAX3 (paired box 3; minus strand). Cytogenetic location: 2q36.1.
Variant type: single nucleotide variant.
Coding change: c.642A>C on transcript NM_181458.4 (MANE Select); coding-DNA position 642, A replaced by C.
Protein change: p.Pro214=; no amino-acid change (proline 214 retained).
Molecular consequence: synonymous variant.
Genome position (GRCh38, 1-based): chr2:222,232,228, T>G on the plus strand (A>C on the coding strand, the complement: PAX3 is on the minus strand). VCF-style: chr2-222232228-T-G. GRCh37 (hg19) VCF-style: chr2-223096947-T-G.
Other names: c.639A>C, p.Pro213= (NM_001127366.3); c.642A>C, p.Pro214= (NM_181457.4, NM_181459.4, NM_181460.4 and 1 more transcripts).
Identifiers: ClinVar variation 3389138 (VCV003389138.14).
Genomic context (GRCh38, chr2:222,232,228, plus strand): 5'-CAGTTCCTCCAGCTGTTCTGCTGTGAAGGTGGTTCGGCTTCTGCGCTGTTTCCTCTTTAG[T>G]GGTAAATCTGGTTCAGAGTCAATATCAGAGCCTTCATCTGATTGGGGTGCTGAGGCTAAA-3'
Protein context (NP_852123.1, residues 204-224): GSDIDSEPDL[Pro214=]LKRKQRRSRT

ClinVar aggregate classification (germline): Likely benign (1 of 4 stars; one submission).

Submission:

CeGaT Center for Human Genetics Tuebingen
Classification: Likely benign. Last evaluated: 2024-11-01. Review status: criteria provided, single submitter. Criteria: CeGaT Center For Human Genetics Tuebingen Variant Classification Criteria Version 2. Collection method: clinical testing. Allele origin: germline. Affected: yes. Observed: 1 variant allele.
Comment: PAX3: PM2:Supporting, BP4, BP7